The following is an entry in ClinVar:

NM_000077.5(CDKN2A):c.458-93A>G

Gene: CDKN2A (cyclin dependent kinase inhibitor 2A; minus strand). Cytogenetic location: 9p21.3.
Variant type: single nucleotide variant.
Coding change: c.458-93A>G on transcript NM_000077.5 (MANE Select); 93 bases into the intron before coding-DNA position 458, A replaced by G.
Molecular consequence: intron variant.
Genome position (GRCh38, 1-based): chr9:21,968,335, T>C on the plus strand (A>G on the coding strand, the complement: CDKN2A is on the minus strand). VCF-style: chr9-21968335-T-C. GRCh37 (hg19) VCF-style: chr9-21968334-T-C.
Other names: c.305-93A>G (NM_001363763.2); c.*102-93A>G (NM_058195.4); c.*151-93A>G (NM_001195132.2); c.*381-93A>G (NM_058197.5).
Identifiers: ClinVar variation 4294142 (VCV004294142.1).

ClinVar aggregate classification (germline): Benign (1 of 4 stars; one submission).

Conditions:
Melanoma-pancreatic cancer syndrome. Identifiers: Orphanet 404560, MedGen C1838547, MONDO:0011713, OMIM 606719. Disease mechanism: loss of function.

gnomAD v4.1: 5 of 1,533,724 alleles (0.00033%); highest among the groups gnomAD compares: African/African-American, 0.0041%; no homozygotes.

Submission:

Myriad Genetics, Inc.
Classification: Benign for Melanoma-pancreatic cancer syndrome. Last evaluated: 2025-08-15. Review status: criteria provided, single submitter. Criteria: Myriad Autosomal Dominant, Autosomal Recessive and X-Linked Classification Criteria (2023). Collection method: clinical testing. Allele origin: unknown.
Comment: This variant is considered benign. This variant is intronic and is not expected to impact mRNA splicing.